The following is an entry in ClinVar:

ClinVar aggregate classification (germline): Uncertain significance. Review status: criteria provided, multiple submitters, no conflicts (2 of 4 stars). 2 submissions from 2 submitters: Uncertain significance (2). Last evaluated 2025-04-17.

Conditions:
Charcot-Marie-Tooth disease type 2. Also called: Charcot-Marie-Tooth type 2. Identifiers: Orphanet 64746, MedGen C0270914, MONDO:0018993.

Allele frequency attached by ClinVar (database versions not stated): gnomAD 0.00001; TOPMed 0.00002.
gnomAD v4.1: 1 of 1,613,348 alleles (0.000062%); highest among the groups gnomAD compares: African/African-American, 0.0013%; no homozygotes.

Submissions (2):

Labcorp Genetics (formerly Invitae), Labcorp
Classification: Uncertain significance for Charcot-Marie-Tooth disease type 2. Last evaluated: 2025-04-17. Review status: criteria provided, single submitter. Criteria: Invitae Variant Classification Sherloc (09022015). Collection method: clinical testing. Allele origin: germline.
Comment: This sequence change replaces threonine, which is neutral and polar, with isoleucine, which is neutral and non-polar, at codon 550 of the KIF1B protein (p.Thr550Ile). This variant is present in population databases (no rsID available, gnomAD 0.01%). This variant has not been reported in the literature in individuals affected with KIF1B-related conditions. ClinVar contains an entry for this variant (Variation ID: 1777207). Invitae Evidence Modeling of protein sequence and biophysical properties (such as structural, functional, and spatial information, amino acid conservation, physicochemical variation, residue mobility, and thermodynamic stability) indicates that this missense variant is not expected to disrupt KIF1B protein function with a negative predictive value of 80%. In summary, the available evidence is currently insufficient to determine the role of this variant in disease. Therefore, it has been classified as a Variant of Uncertain Significance.

Ambry Genetics
Classification: Uncertain significance. Last evaluated: 2025-02-10. Review status: criteria provided, single submitter. Criteria: Ambry Variant Classification Scheme 2023. Collection method: clinical testing. Allele origin: germline.

NM_001365951.3(KIF1B):c.1787C>T (p.Thr596Ile)

Gene: KIF1B (kinesin family member 1B; plus strand). Cytogenetic location: 1p36.22.
Variant type: single nucleotide variant.
Coding change: c.1787C>T on transcript NM_001365951.3 (MANE Select); coding-DNA position 1787, C replaced by T.
Protein change: p.Thr596Ile; replaces threonine 596 with isoleucine.
Molecular consequence: missense variant.
Genome position (GRCh38, 1-based): chr1:10,296,591, C>T. VCF-style: chr1-10296591-C-T. GRCh37 (hg19) VCF-style: chr1-10356649-C-T.
Other names: c.1787C>T, p.Thr596Ile (NM_001365952.1); c.1649C>T, p.Thr550Ile (NM_001365953.1, NM_015074.3, NM_183416.4); short protein forms T596I, T550I.
Identifiers: ClinVar variation 1777207 (VCV001777207.8), dbSNP rs938537402, ClinGen allele CA17813567.